The following is an entry in ClinVar:

ClinVar aggregate classification (germline): Conflicting classifications of pathogenicity. Review status: criteria provided, conflicting classifications (1 of 4 stars). 4 submissions from 4 submitters: Pathogenic (1); Uncertain significance (2). 1 of the submissions does not count toward it. Last evaluated 2025-01-10.

Conditions:
Shwachman syndrome. Also called: Shwachman-Diamond Syndrome; PANCREATIC INSUFFICIENCY AND BONE MARROW DYSFUNCTION; SHWACHMAN-BODIAN SYNDROME. Identifiers: Orphanet 811, MedGen C0272170, MONDO:0009833.
Inborn genetic diseases. Identifiers: MedGen C0950123, MeSH D030342.

Allele frequency attached by ClinVar (database versions not stated): gnomAD exomes 0.00001.
gnomAD v4.1: 12 of 1,612,556 alleles (0.00074%); highest among the groups gnomAD compares: South Asian, 0.0011%; no homozygotes.

Submissions (4):

Broad Center for Mendelian Genomics, Broad Institute of MIT and Harvard
Classification: Uncertain significance for Shwachman syndrome. Last evaluated: 2025-01-10. Review status: criteria provided, single submitter. Criteria: ACMG Guidelines, 2015. Collection method: curation. Allele origin: germline. Inheritance: Autosomal recessive inheritance.
Comment: The p.Arg669Ter variant in EFL1 has not been previously reported in the literature in individuals with Shwachman-Diamond syndrome, but has been identified in 0.001% (1/86026) of South Asian chromosomes by the Genome Aggregation Database (gnomAD; dbSNP rs2141235535). Although this variant has been seen in the general population in a heterozygous state, its frequency is low enough to be consistent with a recessive carrier frequency. This variant has also been reported in ClinVar (Variation ID: 1489977) and has been interpreted as pathogenic by Ambry Genetic and as a variant of uncertain significance by Invitae and Genetic Services Laboratory (University of Chicago). This nonsense variant leads to a premature termination codon at position 669, which is predicted to lead to a truncated or absent protein. Loss of function of the EFL1 gene is strongly associated to autosomal recessive Shwachman-Diamond syndrome. Furthermore, although this gene has been reported in association with Shwachman-Diamond syndrome, it currently has moderate evidence for these associations. In summary, the clinical significance of the p.Arg669Ter variant is uncertain.

Labcorp Genetics (formerly Invitae), Labcorp
Classification: Uncertain significance. Last evaluated: 2022-07-19. Review status: criteria provided, single submitter. Criteria: Invitae Variant Classification Sherloc (09022015). Collection method: clinical testing. Allele origin: germline.
Comment: In summary, the available evidence is currently insufficient to determine the role of this variant in disease. Therefore, it has been classified as a Variant of Uncertain Significance. Algorithms developed to predict the effect of sequence changes on RNA splicing suggest that this variant may disrupt the consensus splice site. ClinVar contains an entry for this variant (Variation ID: 1489977). This variant has not been reported in the literature in individuals affected with EFL1-related conditions. This variant is not present in population databases (gnomAD no frequency). This sequence change creates a premature translational stop signal (p.Arg669*) in the EFL1 gene. It is expected to result in an absent or disrupted protein product. However, the current clinical and genetic evidence is not sufficient to establish whether loss-of-function variants in EFL1 cause disease.

Ambry Genetics
Classification: Pathogenic for Inborn genetic diseases. Last evaluated: 2022-04-18. Review status: criteria provided, single submitter. Criteria: Ambry Variant Classification Scheme 2023. Collection method: clinical testing. Allele origin: germline.
Comment: The c.2005C>T (p.R669*) alteration, located in exon 17 (coding exon 16) of the EFL1 gene, consists of a C to T substitution at nucleotide position 2005. This changes the amino acid from an arginine (R) to a stop codon at amino acid position 669. This alteration is expected to result in loss of function by premature protein truncation or nonsense-mediated mRNA decay. This variant was not reported in population-based cohorts in the Genome Aggregation Database (gnomAD). Based on the available evidence, this alteration is classified as pathogenic.

Genetic Services Laboratory, University of Chicago
Classification: Uncertain significance. Last evaluated: 2022-12-07. Review status: no assertion criteria provided. Collection method: clinical testing. Allele origin: germline. Affected: no. Not counted in ClinVar's aggregate classification.
Comment: DNA sequence analysis of the EFTUD1 gene demonstrated a sequence change,c.2005C>T, which results in the creation of a premature stop codon at amino acid position 669, p.Arg669*. This sequence change is predicted to result in an abnormal transcript, which may be degraded, or may lead to the production of a truncated EFTUD1 protein with potentially abnormal function. This sequence change has not been described in population databases such as ExAC and gnomAD. This sequence change has not been previously described in individuals with EFTUD1-related disorders. Due to the limited number of truncating variants described in this gene to date and as loss of function has not yet been established as a mechanism of disease for this gene, the clinical significance of the p.Arg669* change remains unknown at this time.

NM_024580.6(EFL1):c.2005C>T (p.Arg669Ter)

Gene: EFL1 (elongation factor like GTPase 1; minus strand). Cytogenetic location: 15q25.2.
Variant type: single nucleotide variant.
Coding change: c.2005C>T on transcript NM_024580.6 (MANE Select); coding-DNA position 2005, C replaced by T.
Protein change: p.Arg669Ter; replaces arginine 669 with a stop codon.
Molecular consequence: nonsense. On other transcripts: non-coding transcript variant (1).
Genome position (GRCh38, 1-based): chr15:82,157,738, G>A on the plus strand (C>T on the coding strand, the complement: EFL1 is on the minus strand). VCF-style: chr15-82157738-G-A. GRCh37 (hg19) VCF-style: chr15-82450079-G-A.
Other names: NM_024580.6(EFL1):c.2005C>T; p.Arg669Ter; c.1852C>T, p.Arg618Ter (NM_001040610.3); c.1216C>T, p.Arg406Ter (NM_001322844.2); c.2005C>T, p.Arg669Ter (NM_001322845.2); c.2005C>T (NM_024580.5); short protein forms R406*, R618*, R669*.
Identifiers: ClinVar variation 1489977 (VCV001489977.10), dbSNP rs2141235535, ClinGen allele CA393273540.
Genomic context (GRCh38, chr15:82,157,738, plus strand): 5'-CTATCATTTCTCCATCGCTATCATTTTCACCTAACCTTTCTTTTAAGTCATCCAGGCATC[G>A]CTGAAGGTGGACTTCTCCTGCTGTGACTAAAACGTGCTCTCCCGTTTCCTGAATTAAAAT-3'